The following is an entry in ClinVar:

ClinVar aggregate classification (germline): Uncertain significance. Review status: criteria provided, multiple submitters, no conflicts (2 of 4 stars). 2 submissions from 2 submitters: Uncertain significance (2). Last evaluated 2025-11-24.

gnomAD v4.1: 7 of 1,614,068 alleles (0.00043%); highest among the groups gnomAD compares: Non-Finnish European, 0.00059%; no homozygotes.

Submissions (2):

Ambry Genetics
Classification: Uncertain significance. Last evaluated: 2025-11-24. Review status: criteria provided, single submitter. Criteria: Ambry Variant Classification Scheme 2023. Collection method: clinical testing. Allele origin: germline.
Comment: The p.M213V variant (also known as c.637A>G), located in coding exon 5 of the RINT1 gene, results from an A to G substitution at nucleotide position 637. The methionine at codon 213 is replaced by valine, an amino acid with highly similar properties. This amino acid position is conserved. In addition, this alteration is predicted to be tolerated by in silico analysis. Since supporting evidence is limited at this time, the clinical significance of this alteration remains unclear.

Labcorp Genetics (formerly Invitae), Labcorp
Classification: Uncertain significance. Last evaluated: 2021-06-22. Review status: criteria provided, single submitter. Criteria: Invitae Variant Classification Sherloc (09022015). Collection method: clinical testing. Allele origin: germline.
Comment: Algorithms developed to predict the effect of missense changes on protein structure and function output the following: SIFT: "Tolerated"; PolyPhen-2: "Benign"; Align-GVGD: "Class C0". The valine amino acid residue is found in multiple mammalian species, suggesting that this missense change does not adversely affect protein function. These predictions have not been confirmed by published functional studies and their clinical significance is uncertain. In summary, the available evidence is currently insufficient to determine the role of this variant in disease. Therefore, it has been classified as a Variant of Uncertain Significance. Algorithms developed to predict the effect of sequence changes on RNA splicing suggest that this variant may create or strengthen a splice site, but this prediction has not been confirmed by published transcriptional studies. This variant has not been reported in the literature in individuals with RINT1-related conditions. This variant is not present in population databases (ExAC no frequency). This sequence change replaces methionine with valine at codon 213 of the RINT1 protein (p.Met213Val). The methionine residue is moderately conserved and there is a small physicochemical difference between methionine and valine.

NM_021930.6(RINT1):c.637A>G (p.Met213Val)

Gene: RINT1 (RAD50 interactor 1; plus strand). Cytogenetic location: 7q22.3.
Variant type: single nucleotide variant.
Coding change: c.637A>G on transcript NM_021930.6 (MANE Select); coding-DNA position 637, A replaced by G.
Protein change: p.Met213Val; replaces methionine 213 with valine.
Molecular consequence: missense variant. On other transcripts: 5 prime UTR variant (2), non-coding transcript variant (1), intron variant (1).
Genome position (GRCh38, 1-based): chr7:105,547,031, A>G. VCF-style: chr7-105547031-A-G. GRCh37 (hg19) VCF-style: chr7-105187478-A-G.
Other names: c.403A>G, p.Met135Val (NM_001346599.2); c.-383A>G (NM_001346600.2); c.-286A>G (NM_001346601.2); c.-27-3024A>G (NM_001346603.2); short protein forms M213V, M135V.
Identifiers: ClinVar variation 944404 (VCV000944404.12), dbSNP rs1193018133, ClinGen allele CA368805747.